The following is an entry in ClinVar:

NM_000077.5(CDKN2A):c.413G>A (p.Arg138Lys)

Gene: CDKN2A (cyclin dependent kinase inhibitor 2A; minus strand). Cytogenetic location: 9p21.3.
Variant type: single nucleotide variant.
Coding change: c.413G>A on transcript NM_000077.5; coding-DNA position 413, G replaced by A.
Protein change: p.Arg138Lys; replaces arginine 138 with lysine.
Molecular consequence: missense variant (on NM_000077.6). On other transcripts: 3 prime UTR variant (2).
Genome position (GRCh38, 1-based): chr9:21,970,946, C>T on the plus strand (G>A on the coding strand, the complement: CDKN2A is on the minus strand). VCF-style: chr9-21970946-C-T. GRCh37 (hg19) VCF-style: chr9-21970945-C-T.
Other names: c.413G>A, p.Arg138Lys (NM_000077.6, NM_001195132.2); c.260G>A, p.Arg87Lys (NM_001363763.2); c.*57G>A (NM_058195.4); c.*336G>A (NM_058197.5); short protein forms R138K, R87K.
Identifiers: ClinVar variation 1353011 (VCV001353011.8), dbSNP rs1819684763, ClinGen allele CA373085891.
Genomic context (GRCh38, chr9:21,970,946, plus strand): 5'-GATCATCAGTCCTCACCTGAGGGACCTTCCGCGGCATCTATGCGGGCATGGTTACTGCCT[C>T]TGGTGCCCCCCGCAGCCGCGCGCAGGTACCGTGCGACATCGCGATGGCCCAGCTCCTCAG-3'
Protein context (NP_000068.1, residues 128-148): RYLRAAAGGT[Arg138Lys]GSNHARIDAA

ClinVar aggregate classification (germline): Uncertain significance. Review status: criteria provided, multiple submitters, no conflicts (2 of 4 stars). 2 submissions from 2 submitters: Uncertain significance (2). Last evaluated 2022-04-19.

Conditions:
Hereditary cancer-predisposing syndrome. Also called: Neoplastic Syndromes, Hereditary; Tumor predisposition; Hereditary neoplastic syndrome; Hereditary Cancer Syndrome. Identifiers: Orphanet 140162, MedGen C0027672, MeSH D009386, MONDO:0015356.
Familial melanoma. Also called: Hereditary melanoma; Hereditary cutaneous melanoma. Identifiers: Orphanet 618, MedGen C1512419, MONDO:0018961.

Submissions (2):

Labcorp Genetics (formerly Invitae), Labcorp
Classification: Uncertain significance for Familial melanoma. Last evaluated: 2022-04-19. Review status: criteria provided, single submitter. Criteria: Invitae Variant Classification Sherloc (09022015). Collection method: clinical testing. Allele origin: germline.
Comment: In summary, the available evidence is currently insufficient to determine the role of this variant in disease. Therefore, it has been classified as a Variant of Uncertain Significance. Experimental studies have shown that this missense change does not substantially affect CDKN2A (p16INK4a) function (PMID: 28120917). Algorithms developed to predict the effect of missense changes on protein structure and function (SIFT, PolyPhen-2, Align-GVGD) all suggest that this variant is likely to be tolerated. This variant has not been reported in the literature in individuals affected with CDKN2A (p16INK4a)-related conditions. This variant is not present in population databases (gnomAD no frequency). This sequence change replaces arginine, which is basic and polar, with lysine, which is basic and polar, at codon 138 of the CDKN2A (p16INK4a) protein (p.Arg138Lys).

Ambry Genetics
Classification: Uncertain significance for Hereditary cancer-predisposing syndrome. Last evaluated: 2021-10-07. Review status: criteria provided, single submitter. Criteria: Ambry Variant Classification Scheme 2023. Collection method: clinical testing. Allele origin: germline.
Comment: The p.R138K variant (also known as c.413G>A), located in coding exon 2 of the CDKN2A gene, results from a G to A substitution at nucleotide position 413. The arginine at codon 138 is replaced by lysine, an amino acid with highly similar properties. This amino acid position is poorly conserved in available vertebrate species. In addition, this alteration is predicted to be tolerated by in silico analysis. Since supporting evidence is limited at this time, the clinical significance of this alteration remains unclear.

Literature cited by the submitters: PubMed 28120917 (cited by Labcorp Genetics (formerly Invitae), Labcorp).